The following is an entry in ClinVar:

NM_001378454.1(ALMS1):c.74_85del (p.Glu25_Glu28del)

Gene: ALMS1 (ALMS1 centrosome and basal body associated protein; plus strand). Cytogenetic location: 2p13.1.
Variant type: Deletion.
Coding change: c.74_85del on transcript NM_001378454.1 (MANE Select); coding-DNA positions 74 to 85, 12 bases deleted (AAGAGGAGGAGG).
Protein change: p.Glu25_Glu28del.
Molecular consequence: inframe deletion.
Genome position (GRCh38, 1-based): chr2:73,385,942-73,385,953, AAGAGGAGGAGG deleted; deleting any 12 consecutive bases within chr2:73,385,932-73,385,953 gives the same sequence; the c. name uses the placement nearest the transcript's 3' end. VCF-style (leftmost placement, unchanged base first): chr2-73385931-GGAGGAGGAGGAA-G. GRCh37 (hg19) VCF-style: chr2-73613059-GGAGGAGGAGGAA-G.
Other names: c.77_88del, p.Glu26_Glu29del (NM_015120.4).
Identifiers: ClinVar variation 4691599 (VCV004691599.1).
Genomic context (GRCh38, chr2:73,385,931, plus strand): 5'-GGAGCCCGAGGATCTGCCATGGCCGGGCGAGCTGGAGGAGGAGGAGGAGGAGGAGGAGGA[GGAGGAGGAGGAA>G]GAGGAGGAGGCTGCAGCGGCGGCGGCGGCGAACGTGGACGACGTAGTGGTCGTGGAGGAG-3'

ClinVar aggregate classification (germline): Uncertain significance (1 of 4 stars; one submission).

Conditions:
Alstrom syndrome (ALMS). Identifiers: Orphanet 64, MedGen C0268425, MONDO:0008763, OMIM 203800.

Submission:

Labcorp Genetics (formerly Invitae), Labcorp
Classification: Uncertain significance for Alstrom syndrome. Last evaluated: 2025-08-10. Review status: criteria provided, single submitter. Criteria: Invitae Variant Classification Sherloc (09022015). Collection method: clinical testing. Allele origin: germline.
Comment: This variant, c.77_88del, results in the deletion of 4 amino acid(s) of the ALMS1 protein (p.Glu26_Glu29del), but otherwise preserves the integrity of the reading frame. The frequency data for this variant in the population databases is considered unreliable, as metrics indicate poor data quality at this position in the gnomAD database. This variant has not been reported in the literature in individuals affected with ALMS1-related conditions. Experimental studies and prediction algorithms are not available or were not evaluated, and the functional significance of this variant is currently unknown. In summary, the available evidence is currently insufficient to determine the role of this variant in disease. Therefore, it has been classified as a Variant of Uncertain Significance.